The following is an entry in ClinVar:

ClinVar aggregate classification (germline): Uncertain significance (1 of 4 stars; one submission).

Conditions:
Deficiency of steroid 17-alpha-monooxygenase. Also called: 17-ALPHA-HYDROXYLASE DEFICIENCY; Congenital adrenal hyperplasia due to 17-alpha-hydroxylase deficiency; Congenital adrenal hyperplasia type 5; 17-alpha-hydroxylase/17,20-lyase deficiency; ADRENAL HYPERPLASIA V. Identifiers: Orphanet 90793, MedGen C0268285, MONDO:0008730, OMIM 202110.

gnomAD v4.1: 1 of 1,600,976 alleles (0.000062%); highest among the groups gnomAD compares: Non-Finnish European, 0.000086%; no homozygotes.

Submission:

Center of Excellence of Human Genetics, National Research Center
Classification: Uncertain significance for Deficiency of steroid 17-alpha-monooxygenase. Review status: criteria provided, single submitter. Criteria: ACMG Guidelines, 2015. Collection method: clinical testing. Allele origin: germline. Affected: yes.
Comment: This non-synonymous variant is located in a mutational hot spot; 20 pathogenic or likely pathogenic reported variants were found in a 170bp region surrounding this variant in exon 6 within the region 104592267-104592437 without any missense benign variants. The Ser379Phe variant has not detected in genmAD population datasets. Computational predictions support its pathogenicity (AlphaMissense = 0.938 is between 0.787 and 0.956: supporting pathogenic). The variant has not reported, and no functional studies have done before, so the Ser379Phe variant is classified as of Uncertain Significance.

Literature cited by the submitters: PubMed 37088984.

NM_000102.4(CYP17A1):c.1136C>T (p.Ser379Phe)

Gene: CYP17A1 (cytochrome P450 family 17 subfamily A member 1; minus strand). Cytogenetic location: 10q24.32.
Variant type: single nucleotide variant.
Coding change: c.1136C>T on transcript NM_000102.4 (MANE Select); coding-DNA position 1136, C replaced by T.
Protein change: p.Ser379Phe; replaces serine 379 with phenylalanine.
Molecular consequence: missense variant.
Genome position (GRCh38, 1-based): chr10:102,832,514, G>A on the plus strand (C>T on the coding strand, the complement: CYP17A1 is on the minus strand). VCF-style: chr10-102832514-G-A. GRCh37 (hg19) VCF-style: chr10-104592271-G-A.
Other names: short protein forms S379F.
Identifiers: ClinVar variation 4682142 (VCV004682142.1).